The following is an entry in ClinVar:

ClinVar aggregate classification (germline): Likely benign (1 of 4 stars; one submission).

Allele frequency attached by ClinVar (database versions not stated): 1000 Genomes Project 30x 0.00172; 1000 Genomes Project 0.00200; ExAC 0.00458.
gnomAD v4.1: 1,649 of 1,525,474 alleles (0.11%); highest among the groups gnomAD compares: South Asian, 1%; 26 homozygotes.

Submission:

CeGaT Center for Human Genetics Tuebingen
Classification: Likely benign. Last evaluated: 2023-03-01. Review status: criteria provided, single submitter. Criteria: CeGaT Center For Human Genetics Tuebingen Variant Classification Criteria Version 2. Collection method: clinical testing. Allele origin: germline. Affected: yes. Observed: 1 variant allele.
Comment: FRMPD2: BP4, BS2

NM_001018071.4(FRMPD2):c.2801C>A (p.Ser934Tyr)

Gene: FRMPD2 (FERM and PDZ domain containing 2; minus strand). Cytogenetic location: 10q11.22.
Variant type: single nucleotide variant.
Coding change: c.2801C>A on transcript NM_001018071.4 (MANE Select); coding-DNA position 2801, C replaced by A.
Protein change: p.Ser934Tyr; replaces serine 934 with tyrosine.
Molecular consequence: missense variant.
Genome position (GRCh38, 1-based): chr10:48,178,141, G>T on the plus strand (C>A on the coding strand, the complement: FRMPD2 is on the minus strand). VCF-style: chr10-48178141-G-T. GRCh37 (hg19) VCF-style: chr10-49386184-G-T.
Other names: c.2726C>A, p.Ser909Tyr (NM_001318191.1); short protein forms S909Y, S934Y.
Identifiers: ClinVar variation 2640440 (VCV002640440.24), dbSNP rs200783524, ClinGen allele CA5489561.